The following is an entry in ClinVar:

ClinVar aggregate classification (germline): Uncertain significance (1 of 4 stars; one submission).

Conditions:
Cardiomyopathy (CMYO). Also called: Cardiomyopathies. Identifiers: Orphanet 167848, MedGen C0878544, MONDO:0004994, HP:0001638. Inheritance: Various modes of inheritance.

gnomAD v4.1: 1 of 1,614,094 alleles (0.000062%); no homozygotes.

Submission:

Color Diagnostics, LLC DBA Color Health
Classification: Uncertain significance for Cardiomyopathy. Last evaluated: 2021-01-19. Review status: criteria provided, single submitter. Criteria: ACMG Guidelines, 2015. Collection method: clinical testing. Allele origin: germline.
Comment: This missense variant replaces lysine with glutamic acid at codon 43 of the MYL3 protein. Computational prediction suggests that this variant may not impact protein structure and function (internally defined REVEL score threshold <= 0.5, PMID: 27666373). To our knowledge, functional studies have not been reported for this variant. This variant has not been reported in individuals affected with cardiovascular disorders in the literature. This variant has not been identified in the general population by the Genome Aggregation Database (gnomAD). The available evidence is insufficient to determine the role of this variant in disease conclusively. Therefore, this variant is classified as a Variant of Uncertain Significance.

NM_000258.3(MYL3):c.127A>G (p.Lys43Glu)

Gene: MYL3 (myosin light chain 3; minus strand). Cytogenetic location: 3p21.31.
Variant type: single nucleotide variant.
Coding change: c.127A>G on transcript NM_000258.3 (MANE Select); coding-DNA position 127, A replaced by G.
Protein change: p.Lys43Glu; replaces lysine 43 with glutamic acid.
Molecular consequence: missense variant.
Genome position (GRCh38, 1-based): chr3:46,863,264, T>C on the plus strand (A>G on the coding strand, the complement: MYL3 is on the minus strand). VCF-style: chr3-46863264-T-C. GRCh37 (hg19) VCF-style: chr3-46904754-T-C.
Other names: short protein forms K43E.
Identifiers: ClinVar variation 1171490 (VCV001171490.2), dbSNP rs2106914291, ClinGen allele CA352499469.